The following is an entry in ClinVar:

ClinVar aggregate classification (germline): Uncertain significance. Review status: criteria provided, single submitter (1 of 4 stars). 2 submissions from 2 submitters: Uncertain significance (1). 1 of the submissions does not count toward it. Last evaluated 2022-10-17.

Conditions:
Niemann-Pick disease, type C1. Also called: NEUROVISCERAL STORAGE DISEASE WITH VERTICAL SUPRANUCLEAR OPHTHALMOPLEGIA; NIEMANN-PICK DISEASE WITH CHOLESTEROL ESTERIFICATION BLOCK; NIEMANN-PICK DISEASE WITHOUT SPHINGOMYELINASE DEFICIENCY; NIEMANN-PICK DISEASE, CHRONIC NEURONOPATHIC FORM; NIEMANN-PICK DISEASE, VARIANT TYPE C1. Identifiers: Orphanet 646, MedGen C3179455, MONDO:0009757, OMIM 257220.

gnomAD v4.1: 5 of 1,614,216 alleles (0.00031%); highest among the groups gnomAD compares: Admixed American, 0.0017%; no homozygotes.

Submissions (2):

Labcorp Genetics (formerly Invitae), Labcorp
Classification: Uncertain significance for Niemann-Pick disease, type C1. Last evaluated: 2022-10-17. Review status: criteria provided, single submitter. Criteria: Invitae Variant Classification Sherloc (09022015). Collection method: clinical testing. Allele origin: germline.
Comment: This sequence change replaces proline, which is neutral and non-polar, with glutamine, which is neutral and polar, at codon 254 of the NPC1 protein (p.Pro254Gln). This variant is present in population databases (rs752145311, gnomAD 0.002%). This variant has not been reported in the literature in individuals affected with NPC1-related conditions. ClinVar contains an entry for this variant (Variation ID: 1055530). Advanced modeling of protein sequence and biophysical properties (such as structural, functional, and spatial information, amino acid conservation, physicochemical variation, residue mobility, and thermodynamic stability) has been performed at Invitae for this missense variant, however the output from this modeling did not meet the statistical confidence thresholds required to predict the impact of this variant on NPC1 protein function. In summary, the available evidence is currently insufficient to determine the role of this variant in disease. Therefore, it has been classified as a Variant of Uncertain Significance.

Natera, Inc.
Classification: Uncertain significance for Niemann-Pick disease type C1. Last evaluated: 2021-06-23. Review status: no assertion criteria provided. Collection method: clinical testing. Allele origin: germline. Not counted in ClinVar's aggregate classification.

NM_000271.5(NPC1):c.761C>A (p.Pro254Gln)

Gene: NPC1 (NPC intracellular cholesterol transporter 1; minus strand). Cytogenetic location: 18q11.2.
Variant type: single nucleotide variant.
Coding change: c.761C>A on transcript NM_000271.5 (MANE Select); coding-DNA position 761, C replaced by A.
Protein change: p.Pro254Gln; replaces proline 254 with glutamine.
Molecular consequence: missense variant.
Genome position (GRCh38, 1-based): chr18:23,560,351, G>T on the plus strand (C>A on the coding strand, the complement: NPC1 is on the minus strand). VCF-style: chr18-23560351-G-T. GRCh37 (hg19) VCF-style: chr18-21140315-G-T.
Other names: short protein forms P254Q.
Identifiers: ClinVar variation 1055530 (VCV001055530.5), dbSNP rs752145311, ClinGen allele CA8913650.
Genomic context (GRCh38, chr18:23,560,351, plus strand): 5'-ATCCACATGATGACATACATGGCGTCCAAGCCAAGGATCGTCCAGGGAGCAGGAGGAGGT[G>T]GGGGCTGGGGCTTGGGGCCACAGACAATAGAGCAGTCTTGGCAGCTACATGGTGCTGTGA-3'
Protein context (NP_000262.2, residues 244-264): SIVCGPKPQP[Pro254Gln]PPPAPWTILG